The following is an entry in ClinVar:

ClinVar aggregate classification (germline): Uncertain significance (1 of 4 stars; one submission).

Conditions:
Autosomal recessive ataxia, Beauce type. Also called: SYNE1-Related Autosomal Recessive Cerebellar Ataxia; Spinocerebellar ataxia, autosomal recessive 8; ATAXIA, RECESSIVE, OF BEAUCE; SYNE1 Deficiency. Identifiers: Orphanet 88644, MedGen C1853116, MONDO:0012549, OMIM 610743.
Emery-Dreifuss muscular dystrophy 4, autosomal dominant (EDMD4). Also called: EMERY-DREIFUSS MUSCULAR DYSTROPHY 4 WITH VARIABLE FEATURES. Identifiers: Orphanet 261, MedGen C2751807, MONDO:0013071, OMIM 612998.

Allele frequency attached by ClinVar (database versions not stated): TOPMed below 0.00001.

Submission:

Labcorp Genetics (formerly Invitae), Labcorp
Classification: Uncertain significance for Emery-Dreifuss muscular dystrophy 4, autosomal dominant; Autosomal recessive ataxia, Beauce type. Last evaluated: 2022-06-20. Review status: criteria provided, single submitter. Criteria: Invitae Variant Classification Sherloc (09022015). Collection method: clinical testing. Allele origin: germline.
Comment: This sequence change replaces serine, which is neutral and polar, with asparagine, which is neutral and polar, at codon 4823 of the SYNE1 protein (p.Ser4823Asn). This variant is not present in population databases (gnomAD no frequency). This variant has not been reported in the literature in individuals affected with SYNE1-related conditions. Algorithms developed to predict the effect of missense changes on protein structure and function (SIFT, PolyPhen-2, Align-GVGD) all suggest that this variant is likely to be tolerated. In summary, the available evidence is currently insufficient to determine the role of this variant in disease. Therefore, it has been classified as a Variant of Uncertain Significance.

NM_182961.4(SYNE1):c.14681G>A (p.Ser4894Asn)

Gene: SYNE1 (spectrin repeat containing nuclear envelope protein 1; minus strand). Cytogenetic location: 6q25.2.
Variant type: single nucleotide variant.
Coding change: c.14681G>A on transcript NM_182961.4 (MANE Select); coding-DNA position 14681, G replaced by A.
Protein change: p.Ser4894Asn; replaces serine 4894 with asparagine.
Molecular consequence: missense variant.
Genome position (GRCh38, 1-based): chr6:152,330,004, C>T on the plus strand (G>A on the coding strand, the complement: SYNE1 is on the minus strand). VCF-style: chr6-152330004-C-T. GRCh37 (hg19) VCF-style: chr6-152651139-C-T.
Other names: c.14468G>A, p.Ser4823Asn (NM_033071.5); short protein forms S4823N, S4894N.
Identifiers: ClinVar variation 1506196 (VCV001506196.8), dbSNP rs2096207947, ClinGen allele CA366096826.